The following is an entry in ClinVar:

NM_177438.3(DICER1):c.638A>G (p.Lys213Arg)

Gene: DICER1 (dicer 1, ribonuclease III; minus strand). Cytogenetic location: 14q32.13.
Variant type: single nucleotide variant.
Coding change: c.638A>G on transcript NM_177438.3 (MANE Select); coding-DNA position 638, A replaced by G.
Protein change: p.Lys213Arg; replaces lysine 213 with arginine.
Molecular consequence: missense variant. On other transcripts: 5 prime UTR variant (1), non-coding transcript variant (6).
Genome position (GRCh38, 1-based): chr14:95,129,568, T>C on the plus strand (A>G on the coding strand, the complement: DICER1 is on the minus strand). VCF-style: chr14-95129568-T-C. GRCh37 (hg19) VCF-style: chr14-95595905-T-C.
Other names: c.638A>G, p.Lys213Arg (NM_001195573.1, NM_001271282.3, NM_001291628.2 and 15 more transcripts); c.356A>G, p.Lys119Arg (NM_001395686.1); c.233A>G, p.Lys78Arg (NM_001395687.1, NM_001395688.1, NM_001395689.1 and 3 more transcripts); c.71A>G, p.Lys24Arg (NM_001395691.1); c.-931A>G (NM_001395697.1); short protein forms K119R, K213R, K24R, K78R.
Identifiers: ClinVar variation 1721197 (VCV001721197.6), dbSNP rs2543283411, ClinGen allele CA390888174.

ClinVar aggregate classification (germline): Uncertain significance (1 of 4 stars; one submission).

Conditions:
DICER1-related tumor predisposition. Also called: DICER1 syndrome; DICER1-related pleuropulmonary blastoma cancer predisposition syndrome. Identifiers: Orphanet 284343, MedGen C3839822, MONDO:0100216.

Submission:

Labcorp Genetics (formerly Invitae), Labcorp
Classification: Uncertain significance for DICER1-related tumor predisposition. Last evaluated: 2022-10-07. Review status: criteria provided, single submitter. Criteria: Invitae Variant Classification Sherloc (09022015). Collection method: clinical testing. Allele origin: germline.
Comment: This sequence change replaces lysine, which is basic and polar, with arginine, which is basic and polar, at codon 213 of the DICER1 protein (p.Lys213Arg). In summary, the available evidence is currently insufficient to determine the role of this variant in disease. Therefore, it has been classified as a Variant of Uncertain Significance. Advanced modeling of protein sequence and biophysical properties (such as structural, functional, and spatial information, amino acid conservation, physicochemical variation, residue mobility, and thermodynamic stability) performed at Invitae indicates that this missense variant is not expected to disrupt DICER1 protein function. This variant has not been reported in the literature in individuals affected with DICER1-related conditions. This variant is not present in population databases (gnomAD no frequency).